The following is an entry in ClinVar:

ClinVar aggregate classification (germline): Uncertain significance. Review status: criteria provided, multiple submitters, no conflicts (2 of 4 stars). 3 submissions from 3 submitters: Uncertain significance (3). Last evaluated 2024-12-17.

Conditions:
Inborn genetic diseases. Identifiers: MedGen C0950123, MeSH D030342.
Wilms tumor 1 (WT1). Also called: Wilms tumor, somatic. Identifiers: Orphanet 654, MedGen CN033288, MONDO:0008679, OMIM 194070.
11p partial monosomy syndrome (WAGR). Also called: WAGR Spectrum Disorder; WAGR syndrome; CHROMOSOME 11p13 DELETION SYNDROME; WAGR Complex. Identifiers: Orphanet 893, MedGen C0206115, MONDO:0008681, OMIM 194072.
Drash syndrome (DDS). Also called: WILMS TUMOR AND PSEUDO- OR TRUE HERMAPHRODITISM; NEPHROPATHY, WILMS TUMOR, AND GENITAL ANOMALIES. Identifiers: Orphanet 220, MedGen C0950121, MONDO:0008682, OMIM 194080.
Frasier syndrome. Identifiers: Orphanet 347, MedGen C0950122, MeSH D052159, MONDO:0007635, OMIM 136680.

Submissions (3):

Ambry Genetics
Classification: Uncertain significance for Inborn genetic diseases. Last evaluated: 2024-12-17. Review status: criteria provided, single submitter. Criteria: Ambry Variant Classification Scheme 2023. Collection method: clinical testing. Allele origin: germline.
Comment: The p.S138P variant (also known as c.412T>C), located in coding exon 1 of the WT1 gene, results from a T to C substitution at nucleotide position 412. The serine at codon 138 is replaced by proline, an amino acid with similar properties. This amino acid position is highly conserved in available vertebrate species. In addition, this alteration is predicted to be tolerated by in silico analysis. Based on the available evidence, the clinical significance of this variant remains unclear.

Labcorp Genetics (formerly Invitae), Labcorp
Classification: Uncertain significance for Wilms tumor 1; Drash syndrome; 11p partial monosomy syndrome; Frasier syndrome. Last evaluated: 2023-08-31. Review status: criteria provided, single submitter. Criteria: Invitae Variant Classification Sherloc (09022015). Collection method: clinical testing. Allele origin: germline.
Comment: In summary, the available evidence is currently insufficient to determine the role of this variant in disease. Therefore, it has been classified as a Variant of Uncertain Significance. This sequence change replaces serine, which is neutral and polar, with proline, which is neutral and non-polar, at codon 138 of the WT1 protein (p.Ser138Pro). This variant is not present in population databases (gnomAD no frequency). An algorithm developed to predict the effect of missense changes on protein structure and function (PolyPhen-2) suggests that this variant is likely to be tolerated. ClinVar contains an entry for this variant (Variation ID: 944633). This variant has not been reported in the literature in individuals affected with WT1-related conditions.

Blueprint Genetics
Classification: Uncertain significance. Last evaluated: 2018-08-08. Review status: criteria provided, single submitter. Criteria: ACMG Guidelines, 2015. Collection method: clinical testing. Allele origin: germline.

NM_024426.6(WT1):c.427T>C (p.Ser143Pro)

Genes: WT1 (WT1 transcription factor; minus strand), LOC107982234 (WT1/WT1-AS bi-directional promoter region; plus strand). Cytogenetic location: 11p13.
Variant type: single nucleotide variant.
Coding change: c.427T>C on transcript NM_024426.6 (MANE Select); coding-DNA position 427, T replaced by C.
Protein change: p.Ser143Pro; replaces serine 143 with proline.
Molecular consequence: missense variant. On other transcripts: non-coding transcript variant (1).
Genome position (GRCh38, 1-based): chr11:32,434,934, A>G on the plus strand (T>C on the coding strand, the complement: WT1 is on the minus strand). VCF-style: chr11-32434934-A-G. GRCh37 (hg19) VCF-style: chr11-32456480-A-G.
Other names: c.427T>C, p.Ser143Pro (NM_000378.6, NM_024424.5); short protein forms S143P.
Identifiers: ClinVar variation 944633 (VCV000944633.12), dbSNP rs778937284, ClinGen allele CA379965677.